The following is an entry in ClinVar:

ClinVar aggregate classification (germline): Uncertain significance (1 of 4 stars; one submission).

Conditions:
Familial cancer of breast. Also called: hereditary breast carcinoma; Hereditary breast cancer; BREAST CANCER, FAMILIAL. Identifiers: Orphanet 227535, MedGen C0346153, MONDO:0016419, OMIM 114480. Disease mechanism: loss of function.

Submission:

Labcorp Genetics (formerly Invitae), Labcorp
Classification: Uncertain significance for Familial cancer of breast. Last evaluated: 2022-10-18. Review status: criteria provided, single submitter. Criteria: Invitae Variant Classification Sherloc (09022015). Collection method: clinical testing. Allele origin: germline.
Comment: In summary, the available evidence is currently insufficient to determine the role of this variant in disease. Therefore, it has been classified as a Variant of Uncertain Significance. Variants that disrupt the consensus splice site are a relatively common cause of aberrant splicing (PMID: 17576681, 9536098). Algorithms developed to predict the effect of sequence changes on RNA splicing suggest that this variant may disrupt the consensus splice site. ClinVar contains an entry for this variant (Variation ID: 1399570). This variant has not been reported in the literature in individuals affected with CHEK2-related conditions. This variant is not present in population databases (gnomAD no frequency). This sequence change falls in intron 6 of the CHEK2 gene. It does not directly change the encoded amino acid sequence of the CHEK2 protein. It affects a nucleotide within the consensus splice site.

Literature cited by the submitters: PubMed 17576681; PubMed 9536098.

NM_007194.4(CHEK2):c.792+6T>G

Gene: CHEK2 (checkpoint kinase 2; minus strand). Cytogenetic location: 22q12.1.
Variant type: single nucleotide variant.
Coding change: c.792+6T>G on transcript NM_007194.4 (MANE Select); 6 bases into the intron after coding-DNA position 792, T replaced by G.
Molecular consequence: intron variant.
Genome position (GRCh38, 1-based): chr22:28,711,903, A>C on the plus strand (T>G on the coding strand, the complement: CHEK2 is on the minus strand). VCF-style: chr22-28711903-A-C. GRCh37 (hg19) VCF-style: chr22-29107891-A-C.
Other names: c.129+6T>G (NM_001437942.1, NM_001257387.3); c.591+6T>G (NM_001349956.3); c.792+6T>G (NM_145862.3); c.885+6T>G (NM_001438295.1, NM_001438293.1); c.921+6T>G (NM_001438294.1, NM_001005735.3).
Identifiers: ClinVar variation 1399570 (VCV001399570.7), dbSNP rs2145948490, ClinGen allele CA2573157971.